The following is an entry in ClinVar:

NM_001042492.3(NF1):c.149A>G (p.Lys50Arg)

Gene: NF1 (neurofibromin 1; plus strand). Cytogenetic location: 17q11.2.
Variant type: single nucleotide variant.
Coding change: c.149A>G on transcript NM_001042492.3 (MANE Select); coding-DNA position 149, A replaced by G.
Protein change: p.Lys50Arg; replaces lysine 50 with arginine.
Molecular consequence: missense variant.
Genome position (GRCh38, 1-based): chr17:31,156,071, A>G. VCF-style: chr17-31156071-A-G. GRCh37 (hg19) VCF-style: chr17-29483089-A-G.
Other names: c.149A>G, p.Lys50Arg (NM_000267.4, NM_001128147.3); short protein forms K50R.
Identifiers: ClinVar variation 485978 (VCV000485978.14), dbSNP rs1555604907, ClinGen allele CA398988479.
Genomic context (GRCh38, chr17:31,156,071, plus strand): 5'-CACATACCAAAGTCAGTACTGAGCACAACAAGGAATGTCTAATCAATATTTCCAAATACA[A>G]GTTTTCTTTGGTTATAAGCGGCCTCACTACTATTTTAAAGAATGTTAACAATATGGTGAG-3'
Protein context (NP_001035957.1, residues 40-60): KECLINISKY[Lys50Arg]FSLVISGLTT

ClinVar aggregate classification (germline): Uncertain significance. Review status: criteria provided, multiple submitters, no conflicts (2 of 4 stars). 3 submissions from 3 submitters: Uncertain significance (3). Last evaluated 2025-08-05.

Conditions:
Neurofibromatosis, type 1 (NF1). Also called: NEUROFIBROMATOSIS, TYPE I, SOMATIC; VON RECKLINGHAUSEN DISEASE; Neurofibromatosis, type I; Peripheral type neurofibromatosis. Identifiers: Orphanet 636, MedGen C0027831, MONDO:0018975, OMIM 162200. Disease mechanism: loss of function.
Cardiovascular phenotype. Identifiers: MedGen CN230736.
Hereditary cancer-predisposing syndrome. Also called: Tumor predisposition; Neoplastic Syndromes, Hereditary; Hereditary Cancer Syndrome; Hereditary neoplastic syndrome. Identifiers: Orphanet 140162, MedGen C0027672, MeSH D009386, MONDO:0015356.

Submissions (3):

Ambry Genetics
Classification: Uncertain significance for Cardiovascular phenotype; Hereditary cancer-predisposing syndrome. Last evaluated: 2025-08-05. Review status: criteria provided, single submitter. Criteria: Ambry Variant Classification Scheme 2023. Collection method: clinical testing. Allele origin: germline.
Comment: The p.K50R variant (also known as c.149A>G), located in coding exon 2 of the NF1 gene, results from an A to G substitution at nucleotide position 149. The lysine at codon 50 is replaced by arginine, an amino acid with highly similar properties. This amino acid position is highly conserved in available vertebrate species. In addition, this alteration is predicted to be tolerated by in silico analysis. Based on the available evidence, the clinical significance of this variant remains unclear.

Genome-Nilou Lab
Classification: Uncertain significance for Neurofibromatosis, type 1. Last evaluated: 2022-03-15. Review status: criteria provided, single submitter. Criteria: ACMG Guidelines, 2015. Collection method: clinical testing. Allele origin: germline. Affected: no.

Labcorp Genetics (formerly Invitae), Labcorp
Classification: Uncertain significance for Neurofibromatosis, type 1. Last evaluated: 2021-02-17. Review status: criteria provided, single submitter. Criteria: Invitae Variant Classification Sherloc (09022015). Collection method: clinical testing. Allele origin: germline.
Comment: This variant is not present in population databases (ExAC no frequency). This variant has not been reported in the literature in individuals with NF1-related conditions. ClinVar contains an entry for this variant (Variation ID: 485978). Advanced modeling of protein sequence and biophysical properties (such as structural, functional, and spatial information, amino acid conservation, physicochemical variation, residue mobility, and thermodynamic stability) performed at Invitae indicates that this missense variant is not expected to disrupt NF1 protein function. This sequence change replaces lysine with arginine at codon 50 of the NF1 protein (p.Lys50Arg). The lysine residue is highly conserved and there is a small physicochemical difference between lysine and arginine. In summary, the available evidence is currently insufficient to determine the role of this variant in disease. Therefore, it has been classified as a Variant of Uncertain Significance. Algorithms developed to predict the effect of sequence changes on RNA splicing suggest that this variant may create or strengthen a splice site, but this prediction has not been confirmed by published transcriptional studies.